The following is an entry in ClinVar:

ClinVar aggregate classification (germline): Likely benign. Review status: criteria provided, multiple submitters, no conflicts (2 of 4 stars). 4 submissions from 4 submitters: Likely benign (4). Last evaluated 2025-05-05.

Conditions:
Joubert syndrome 23 (JBTS23). Identifiers: Orphanet 475, MedGen C4084822, MONDO:0014664, OMIM 616490.
Short-rib thoracic dysplasia 14 with polydactyly (SRTD14). Identifiers: Orphanet 397715, MedGen C4225286, MONDO:0014688, OMIM 616546.

Allele frequency attached by ClinVar (database versions not stated): gnomAD 0.00004; ESP Exome Variant Server 0.00008; TOPMed 0.00008; gnomAD exomes 0.00009 and 0.00018; ExAC 0.00023.
gnomAD v4.1: 142 of 1,613,612 alleles (0.0088%); highest among the groups gnomAD compares: South Asian, 0.097%; no homozygotes.

Submissions (4):

Labcorp Genetics (formerly Invitae), Labcorp
Classification: Likely benign for Joubert syndrome 23; Short-rib thoracic dysplasia 14 with polydactyly. Last evaluated: 2025-05-05. Review status: criteria provided, single submitter. Criteria: Invitae Variant Classification Sherloc (09022015). Collection method: clinical testing. Allele origin: germline.

Blueprint Genetics
Classification: Likely benign. Last evaluated: 2024-04-09. Review status: criteria provided, single submitter. Criteria: ACMG Guidelines, 2015. Collection method: clinical testing. Allele origin: germline.

CeGaT Center for Human Genetics Tuebingen
Classification: Likely benign. Last evaluated: 2022-07-01. Review status: criteria provided, single submitter. Criteria: CeGaT Center For Human Genetics Tuebingen Variant Classification Criteria Version 2. Collection method: clinical testing. Allele origin: germline. Affected: yes. Observed: 1 variant allele.
Comment: KIAA0586: BP4, BP7

Genetic Services Laboratory, University of Chicago
Classification: Likely benign. Last evaluated: 2019-07-17. Review status: criteria provided, single submitter. Criteria: ACMG Guidelines, 2015. Collection method: clinical testing. Allele origin: germline. Affected: no.

NM_001329943.3(KIAA0586):c.723T>C (p.His241=)

Gene: KIAA0586 (KIAA0586; plus strand). Cytogenetic location: 14q23.1.
Variant type: single nucleotide variant.
Coding change: c.723T>C on transcript NM_001329943.3 (MANE Select); coding-DNA position 723, T replaced by C.
Protein change: p.His241=; no amino-acid change (histidine 241 retained).
Molecular consequence: synonymous variant.
Genome position (GRCh38, 1-based): chr14:58,444,091, T>C. VCF-style: chr14-58444091-T-C. GRCh37 (hg19) VCF-style: chr14-58910809-T-C.
Other names: c.882T>C, p.His294= (NM_001244189.2); c.678T>C, p.His226= (NM_001244190.2); c.468T>C, p.His156= (NM_001244191.2, NM_001329945.2, NM_001364700.1 and 1 more transcripts); c.591T>C, p.His197= (NM_001244192.2); c.303T>C, p.His101= (NM_001244193.2); c.723T>C, p.His241= (NM_001329944.2, NM_001329946.2, NM_001329947.2 and 1 more transcripts).
Identifiers: ClinVar variation 1079574 (VCV001079574.37), dbSNP rs373333959, ClinGen allele CA7205457.
Genomic context (GRCh38, chr14:58,444,091, plus strand): 5'-GCAACGTGTTACAGAGCAGCAAACAAGCATTCAGAGGAAACAAGAGAAATTACATTGTCA[T>C]GATCACGAAAAGCAAATGAATGTGTTTATGGAGCAGCACATAAGGCATCTTGAAAAGTTA-3'
Protein context (NP_001316872.1, residues 231-251): IQRKQEKLHC[His241=]DHEKQMNVFM